The following is an entry in ClinVar:

NM_000814.6(GABRB3):c.1211A>T (p.Lys404Ile)

Gene: GABRB3 (gamma-aminobutyric acid type A receptor subunit beta3; minus strand). Cytogenetic location: 15q12.
Variant type: single nucleotide variant.
Coding change: c.1211A>T on transcript NM_000814.6 (MANE Select); coding-DNA position 1211, A replaced by T.
Protein change: p.Lys404Ile; replaces lysine 404 with isoleucine.
Molecular consequence: missense variant.
Genome position (GRCh38, 1-based): chr15:26,548,004, T>A on the plus strand (A>T on the coding strand, the complement: GABRB3 is on the minus strand). VCF-style: chr15-26548004-T-A. GRCh37 (hg19) VCF-style: chr15-26793151-T-A.
Other names: c.956A>T, p.Lys319Ile (NM_001191320.2, NM_001278631.2); c.998A>T, p.Lys333Ile (NM_001191321.3); c.1211A>T, p.Lys404Ile (NM_021912.5); short protein forms K319I, K333I, K404I.
Identifiers: ClinVar variation 1443517 (VCV001443517.6), dbSNP rs2140645593, ClinGen allele CA391458962.
Genomic context (GRCh38, chr15:26,548,004, plus strand): 5'-TTGTGCGGGAGGCTTCTGTCCCCCAGGAATCGCCCATGCCCTTCTCGAGGCATGCTCTGT[T>A]TCCTGTACTGGATTCCTGAGTTGTCAAAGGATATTGCTGAATTCCTGGTATCGCCAATGC-3'
Protein context (NP_000805.1, residues 394-414): SFDNSGIQYR[Lys404Ile]QSMPREGHGR

ClinVar aggregate classification (germline): Uncertain significance (1 of 4 stars; one submission).

Conditions:
Epilepsy, childhood absence, susceptibility to, 1. Also called: Epilepsy, childhood absence 1. Identifiers: Orphanet 64280, MedGen C1838604, MONDO:0020759, OMIM 600131.
Epilepsy, childhood absence, susceptibility to, 5. Identifiers: Orphanet 64280, MedGen C2677087, MONDO:0012843, OMIM 612269.

Submission:

Labcorp Genetics (formerly Invitae), Labcorp
Classification: Uncertain significance for Epilepsy, childhood absence, susceptibility to, 5; Epilepsy, childhood absence, susceptibility to, 1. Last evaluated: 2021-08-12. Review status: criteria provided, single submitter. Criteria: Invitae Variant Classification Sherloc (09022015). Collection method: clinical testing. Allele origin: germline.
Comment: In summary, the available evidence is currently insufficient to determine the role of this variant in disease. Therefore, it has been classified as a Variant of Uncertain Significance. Advanced modeling of protein sequence and biophysical properties (such as structural, functional, and spatial information, amino acid conservation, physicochemical variation, residue mobility, and thermodynamic stability) performed at Invitae indicates that this missense variant is not expected to disrupt GABRB3 protein function. This variant has not been reported in the literature in individuals affected with GABRB3-related conditions. This variant is not present in population databases (ExAC no frequency). This sequence change replaces lysine with isoleucine at codon 404 of the GABRB3 protein (p.Lys404Ile). The lysine residue is moderately conserved and there is a moderate physicochemical difference between lysine and isoleucine.